The following is an entry in ClinVar:

NM_052947.4(ALPK2):c.1147T>C (p.Cys383Arg)

Genes: ALPK2 (alpha kinase 2; minus strand), LOC114803473 (ALPK2 eExon liver enhancer; plus strand). Cytogenetic location: 18q21.31.
Variant type: single nucleotide variant.
Coding change: c.1147T>C on transcript NM_052947.4 (MANE Select); coding-DNA position 1147, T replaced by C.
Protein change: p.Cys383Arg; replaces cysteine 383 with arginine.
Molecular consequence: missense variant.
Genome position (GRCh38, 1-based): chr18:58,579,629, A>G on the plus strand (T>C on the coding strand, the complement: ALPK2 is on the minus strand). VCF-style: chr18-58579629-A-G. GRCh37 (hg19) VCF-style: chr18-56246861-A-G.
Other names: short protein forms C383R.
Identifiers: ClinVar variation 2625998 (VCV002625998.2), dbSNP rs2518899390, ClinGen allele CA402564497.

ClinVar aggregate classification (germline): Uncertain significance (1 of 4 stars; one submission).

Allele frequency attached by ClinVar (database versions not stated): gnomAD exomes below 0.00001.
gnomAD v4.1: 1 of 1,613,974 alleles (0.000062%); highest among the groups gnomAD compares: Non-Finnish European, 0.000085%; no homozygotes.

Submission:

Ambry Genetics
Classification: Uncertain significance. Last evaluated: 2023-07-12. Review status: criteria provided, single submitter. Criteria: Ambry Variant Classification Scheme 2023. Collection method: clinical testing. Allele origin: germline.
Comment: The p.C383R variant (also known as c.1147T>C), located in coding exon 3 of the ALPK2 gene, results from a T to C substitution at nucleotide position 1147. The cysteine at codon 383 is replaced by arginine, an amino acid with highly dissimilar properties. This amino acid position is conserved. In addition, this alteration is predicted to be tolerated by in silico analysis. Since supporting evidence is limited at this time, the clinical significance of this alteration remains unclear.